The following is an entry in ClinVar:

NM_000147.5(FUCA1):c.949G>A (p.Glu317Lys)

Gene: FUCA1 (alpha-L-fucosidase 1; minus strand). Cytogenetic location: 1p36.11.
Variant type: single nucleotide variant.
Coding change: c.949G>A on transcript NM_000147.5 (MANE Select); coding-DNA position 949, G replaced by A.
Protein change: p.Glu317Lys; replaces glutamic acid 317 with lysine.
Molecular consequence: missense variant. On other transcripts: non-coding transcript variant (4).
Genome position (GRCh38, 1-based): chr1:23,854,380, C>T on the plus strand (G>A on the coding strand, the complement: FUCA1 is on the minus strand). VCF-style: chr1-23854380-C-T. GRCh37 (hg19) VCF-style: chr1-24180870-C-T.
Other names: short protein forms E317K.
Identifiers: ClinVar variation 2415308 (VCV002415308.4), dbSNP rs779512930, ClinGen allele CA686422.

ClinVar aggregate classification (germline): Uncertain significance (1 of 4 stars; one submission).

Conditions:
Fucosidosis. Also called: ALPHA-L-FUCOSIDASE DEFICIENCY. Identifiers: Orphanet 349, MedGen C0016788, MONDO:0009254, OMIM 230000.

Allele frequency attached by ClinVar (database versions not stated): gnomAD 0.00001; TOPMed 0.00001; gnomAD exomes 0.00004; ExAC 0.00005.
gnomAD v4.1: 67 of 1,613,792 alleles (0.0042%); highest among the groups gnomAD compares: Non-Finnish European, 0.0031%; no homozygotes.

Submission:

Labcorp Genetics (formerly Invitae), Labcorp
Classification: Uncertain significance for Fucosidosis. Last evaluated: 2022-09-23. Review status: criteria provided, single submitter. Criteria: Invitae Variant Classification Sherloc (09022015). Collection method: clinical testing. Allele origin: germline.
Comment: In summary, the available evidence is currently insufficient to determine the role of this variant in disease. Therefore, it has been classified as a Variant of Uncertain Significance. Advanced modeling of protein sequence and biophysical properties (such as structural, functional, and spatial information, amino acid conservation, physicochemical variation, residue mobility, and thermodynamic stability) performed at Invitae indicates that this missense variant is not expected to disrupt FUCA1 protein function. This variant has not been reported in the literature in individuals affected with FUCA1-related conditions. This variant is present in population databases (rs779512930, gnomAD 0.03%). This sequence change replaces glutamic acid, which is acidic and polar, with lysine, which is basic and polar, at codon 317 of the FUCA1 protein (p.Glu317Lys).